The following is an entry in ClinVar:

ClinVar aggregate classification (germline): Uncertain significance. Review status: criteria provided, multiple submitters, no conflicts (2 of 4 stars). 2 submissions from 2 submitters: Uncertain significance (2). Last evaluated 2025-02-09.

Conditions:
Capillary malformation-arteriovenous malformation syndrome. Also called: Capillary malformation-arteriovenous malformation. Identifiers: Orphanet 137667, MedGen C1842180, MONDO:0012016.
Cardiovascular phenotype. Identifiers: MedGen CN230736.

gnomAD v4.1: 7 of 1,612,310 alleles (0.00043%); highest among the groups gnomAD compares: South Asian, 0.0077%; no homozygotes.

Submissions (2):

Ambry Genetics
Classification: Uncertain significance for Cardiovascular phenotype. Last evaluated: 2025-02-09. Review status: criteria provided, single submitter. Criteria: Ambry Variant Classification Scheme 2023. Collection method: clinical testing. Allele origin: germline.
Comment: The p.F548L variant (also known as c.1644T>G), located in coding exon 12 of the RASA1 gene, results from a T to G substitution at nucleotide position 1644. The phenylalanine at codon 548 is replaced by leucine, an amino acid with highly similar properties. This amino acid position is conserved. In addition, the in silico prediction for this alteration is inconclusive. Based on the available evidence, the clinical significance of this variant remains unclear.

Labcorp Genetics (formerly Invitae), Labcorp
Classification: Uncertain significance for Capillary malformation-arteriovenous malformation syndrome. Last evaluated: 2024-12-24. Review status: criteria provided, single submitter. Criteria: Invitae Variant Classification Sherloc (09022015). Collection method: clinical testing. Allele origin: germline.
Comment: This sequence change replaces phenylalanine, which is neutral and non-polar, with leucine, which is neutral and non-polar, at codon 548 of the RASA1 protein (p.Phe548Leu). This variant is present in population databases (no rsID available, gnomAD 0.003%). This variant has not been reported in the literature in individuals affected with RASA1-related conditions. ClinVar contains an entry for this variant (Variation ID: 1407628). An algorithm developed to predict the effect of missense changes on protein structure and function (PolyPhen-2) suggests that this variant is likely to be disruptive. In summary, the available evidence is currently insufficient to determine the role of this variant in disease. Therefore, it has been classified as a Variant of Uncertain Significance.

NM_002890.3(RASA1):c.1644T>G (p.Phe548Leu)

Genes: CCNH (cyclin H; minus strand), RASA1 (RAS p21 protein activator 1; plus strand). Cytogenetic location: 5q14.3.
Variant type: single nucleotide variant.
Coding change: c.1644T>G on transcript NM_002890.3 (MANE Select); coding-DNA position 1644, T replaced by G.
Protein change: p.Phe548Leu; replaces phenylalanine 548 with leucine.
Molecular consequence: missense variant. On other transcripts: intron variant (1).
Genome position (GRCh38, 1-based): chr5:87,369,846, T>G. VCF-style: chr5-87369846-T-G. GRCh37 (hg19) VCF-style: chr5-86665663-T-G.
Other names: c.1113T>G, p.Phe371Leu (NM_022650.3); c.933+25198A>C (NM_001364075.2); short protein forms F371L, F548L.
Identifiers: ClinVar variation 1407628 (VCV001407628.7), dbSNP rs749876769, ClinGen allele CA360371797.